The following is an entry in ClinVar:

NM_058216.3(RAD51C):c.55C>G (p.Leu19Val)

Gene: RAD51C (RAD51 paralog C; plus strand). Cytogenetic location: 17q22.
Variant type: single nucleotide variant.
Coding change: c.55C>G on transcript NM_058216.3 (MANE Select); coding-DNA position 55, C replaced by G.
Protein change: p.Leu19Val; replaces leucine 19 with valine.
Molecular consequence: missense variant. On other transcripts: non-coding transcript variant (1).
Genome position (GRCh38, 1-based): chr17:58,692,698, C>G. VCF-style: chr17-58692698-C-G. GRCh37 (hg19) VCF-style: chr17-56770059-C-G.
Other names: c.55C>G, p.Leu19Val (NM_002876.4); short protein forms L19V.
Identifiers: ClinVar variation 4745431 (VCV004745431.1).

ClinVar aggregate classification (germline): Uncertain significance (1 of 4 stars; one submission).

Conditions:
Fanconi anemia complementation group O. Also called: RAD51C-Related Fanconi Anemia. Identifiers: Orphanet 84, MedGen C3150653, MONDO:0013248, OMIM 613390.

Submission:

Labcorp Genetics (formerly Invitae), Labcorp
Classification: Uncertain significance for Fanconi anemia complementation group O. Last evaluated: 2025-06-04. Review status: criteria provided, single submitter. Criteria: Invitae Variant Classification Sherloc (09022015). Collection method: clinical testing. Allele origin: germline.
Comment: This sequence change replaces leucine, which is neutral and non-polar, with valine, which is neutral and non-polar, at codon 19 of the RAD51C protein (p.Leu19Val). This variant is not present in population databases (gnomAD no frequency). This variant has not been reported in the literature in individuals affected with RAD51C-related conditions. Invitae Evidence Modeling of protein sequence and biophysical properties (such as structural, functional, and spatial information, amino acid conservation, physicochemical variation, residue mobility, and thermodynamic stability) indicates that this missense variant is not expected to disrupt RAD51C protein function with a negative predictive value of 80%. In summary, the available evidence is currently insufficient to determine the role of this variant in disease. Therefore, it has been classified as a Variant of Uncertain Significance.